The following is an entry in ClinVar:

NM_001256155.3(ARMCX4):c.1161A>T (p.Ile387=)

Gene: ARMCX4 (armadillo repeat containing X-linked 4; plus strand). Cytogenetic location: Xq22.1.
Variant type: single nucleotide variant.
Coding change: c.1161A>T on transcript NM_001256155.3 (MANE Select); coding-DNA position 1161, A replaced by T.
Protein change: p.Ile387=; no amino-acid change (isoleucine 387 retained).
Molecular consequence: synonymous variant.
Genome position (GRCh38, 1-based): chrX:101,489,750, A>T. VCF-style: chrX-101489750-A-T. GRCh37 (hg19) VCF-style: chrX-100744737-A-T.
Identifiers: ClinVar variation 5039132 (VCV005039132.1).

ClinVar aggregate classification (germline): Likely benign (1 of 4 stars; one submission).

gnomAD v4.1: 51 of 1,153,090 alleles (0.0044%); highest among the groups gnomAD compares: Middle Eastern, 0.093%; no homozygotes.

Submission:

CeGaT Center for Human Genetics Tuebingen
Classification: Likely benign. Last evaluated: 2026-07-01. Review status: criteria provided, single submitter. Criteria: CeGaT Center For Human Genetics Tuebingen Variant Classification Criteria Version 2. Collection method: clinical testing. Allele origin: germline. Affected: yes. Observed: 1 variant allele.
Comment: ARMCX4: BP4, BP7, BS2